The following is an entry in ClinVar:

NM_001429.4(EP300):c.4357C>A (p.Pro1453Thr)

Gene: EP300 (EP300 lysine acetyltransferase; plus strand). Cytogenetic location: 22q13.2.
Variant type: single nucleotide variant.
Coding change: c.4357C>A on transcript NM_001429.4 (MANE Select); coding-DNA position 4357, C replaced by A.
Protein change: p.Pro1453Thr; replaces proline 1453 with threonine.
Molecular consequence: missense variant.
Genome position (GRCh38, 1-based): chr22:41,170,476, C>A. VCF-style: chr22-41170476-C-A. GRCh37 (hg19) VCF-style: chr22-41566480-C-A.
Other names: c.4279C>A, p.Pro1427Thr (NM_001362843.2); short protein forms P1427T, P1453T.
Identifiers: ClinVar variation 2104299 (VCV002104299.4), dbSNP rs767216111, ClinGen allele CA10253419.

ClinVar aggregate classification (germline): Uncertain significance (1 of 4 stars; one submission).

Conditions:
Rubinstein-Taybi syndrome due to EP300 haploinsufficiency. Also called: EP300-Related Rubinstein-Taybi Syndrome; RUBINSTEIN-TAYBI SYNDROME 2. Identifiers: Orphanet 353284, Orphanet 783, MedGen C3150941, MONDO:0013364, OMIM 613684.

Allele frequency attached by ClinVar (database versions not stated): ExAC 0.00001.

Submission:

Labcorp Genetics (formerly Invitae), Labcorp
Classification: Uncertain significance for Rubinstein-Taybi syndrome due to EP300 haploinsufficiency. Last evaluated: 2024-04-16. Review status: criteria provided, single submitter. Criteria: Invitae Variant Classification Sherloc (09022015). Collection method: clinical testing. Allele origin: germline.
Comment: This sequence change replaces proline, which is neutral and non-polar, with threonine, which is neutral and polar, at codon 1453 of the EP300 protein (p.Pro1453Thr). This variant is not present in population databases (gnomAD no frequency). This variant has not been reported in the literature in individuals affected with EP300-related conditions. ClinVar contains an entry for this variant (Variation ID: 2104299). Advanced modeling of protein sequence and biophysical properties (such as structural, functional, and spatial information, amino acid conservation, physicochemical variation, residue mobility, and thermodynamic stability) performed at Invitae indicates that this missense variant is not expected to disrupt EP300 protein function with a negative predictive value of 80%. In summary, the available evidence is currently insufficient to determine the role of this variant in disease. Therefore, it has been classified as a Variant of Uncertain Significance.